The following is an entry in ClinVar:

NM_001098511.3(KIF2A):c.1027+218T>C

Gene: KIF2A (kinesin family member 2A; plus strand). Cytogenetic location: 5q12.1.
Variant type: single nucleotide variant.
Coding change: c.1027+218T>C on transcript NM_001098511.3 (MANE Select); 218 bases into the intron after coding-DNA position 1027, T replaced by C.
Molecular consequence: intron variant.
Genome position (GRCh38, 1-based): chr5:62,361,747, T>C. VCF-style: chr5-62361747-T-C. GRCh37 (hg19) VCF-style: chr5-61657574-T-C.
Other names: c.946+218T>C (NM_001243952.2); c.1027+218T>C (NM_004520.5); c.970+218T>C (NM_001243953.2).
Identifiers: ClinVar variation 682876 (VCV000682876.1), dbSNP rs247267, ClinGen allele CA15367422.

ClinVar aggregate classification (germline): Benign (1 of 4 stars; one submission).

Allele frequency attached by ClinVar (database versions not stated): gnomAD 0.48935 and 0.49406; TOPMed 0.50121; 1000 Genomes Project 30x 0.52264; 1000 Genomes Project 0.52276.
gnomAD v4.1: 73,557 of 150,420 alleles (49%); highest among the groups gnomAD compares: African/African-American, 65%; 18,940 homozygotes.

Submission:

GeneDx
Classification: Benign. Last evaluated: 2018-06-14. Review status: criteria provided, single submitter. Criteria: GeneDx Variant Classification (06012015). Collection method: clinical testing. Allele origin: germline. Affected: yes.
Comment: This variant is considered likely benign or benign based on one or more of the following criteria: it is a conservative change, it occurs at a poorly conserved position in the protein, it is predicted to be benign by multiple in silico algorithms, and/or has population frequency not consistent with disease.